The following is an entry in ClinVar:

NM_001166108.2(PALLD):c.1718C>T (p.Ser573Phe)

Gene: PALLD (palladin, cytoskeletal associated protein; plus strand). Cytogenetic location: 4q32.3.
Variant type: single nucleotide variant.
Coding change: c.1718C>T on transcript NM_001166108.2 (MANE Select); coding-DNA position 1718, C replaced by T.
Protein change: p.Ser573Phe; replaces serine 573 with phenylalanine.
Molecular consequence: missense variant.
Genome position (GRCh38, 1-based): chr4:168,711,677, C>T. VCF-style: chr4-168711677-C-T. GRCh37 (hg19) VCF-style: chr4-169632828-C-T.
Other names: c.572C>T, p.Ser191Phe (NM_001166109.2); c.1718C>T, p.Ser573Phe (NM_016081.4); short protein forms S191F, S573F.
Identifiers: ClinVar variation 3304047 (VCV003304047.1).

ClinVar aggregate classification (germline): Uncertain significance (1 of 4 stars; one submission).

gnomAD v4.1: 1 of 1,614,070 alleles (0.000062%); highest among the groups gnomAD compares: Non-Finnish European, 0.000085%; no homozygotes.

Submission:

Ambry Genetics
Classification: Uncertain significance. Last evaluated: 2024-03-28. Review status: criteria provided, single submitter. Criteria: Ambry Variant Classification Scheme 2023. Collection method: clinical testing. Allele origin: germline.
Comment: The p.S573F variant (also known as c.1718C>T), located in coding exon 9 of the PALLD gene, results from a C to T substitution at nucleotide position 1718. The serine at codon 573 is replaced by phenylalanine, an amino acid with highly dissimilar properties. This amino acid position is conserved. In addition, this alteration is predicted to be tolerated by in silico analysis. Based on the available evidence, the clinical significance of this alteration remains unclear.